The following is an entry in ClinVar:

NM_130468.4(CHST14):c.1036G>C (p.Ala346Pro)

Gene: CHST14 (carbohydrate sulfotransferase 14; plus strand). Cytogenetic location: 15q15.1.
Variant type: single nucleotide variant.
Coding change: c.1036G>C on transcript NM_130468.4 (MANE Select); coding-DNA position 1036, G replaced by C.
Protein change: p.Ala346Pro; replaces alanine 346 with proline.
Molecular consequence: missense variant.
Genome position (GRCh38, 1-based): chr15:40,472,249, G>C. VCF-style: chr15-40472249-G-C. GRCh37 (hg19) VCF-style: chr15-40764448-G-C.
Other names: short protein forms A346P.
Identifiers: ClinVar variation 451984 (VCV000451984.12), dbSNP rs762133798, ClinGen allele CA7481691.
Genomic context (GRCh38, chr15:40,472,249, plus strand): 5'-GCCTGGTACCGGCCAGCCAGCCCCGAAAGCCTGCATTACCACTTGTGCAGTGCCCCCCGG[G>C]CCCTGCTGCAGGATGTGCTGCCTAAGTATATCCTGGACTTCTCCCTCTTTGCCTACCCAC-3'
Protein context (NP_569735.1, residues 336-356): LHYHLCSAPR[Ala346Pro]LLQDVLPKYI

ClinVar aggregate classification (germline): Uncertain significance. Review status: criteria provided, multiple submitters, no conflicts (2 of 4 stars). 4 submissions from 4 submitters: Uncertain significance (4). Last evaluated 2026-01-13.

Conditions:
Cardiovascular phenotype. Identifiers: MedGen CN230736.
Ehlers-Danlos syndrome, musculocontractural type (EDSMC). Also called: ARTHROGRYPOSIS, DISTAL, WITH PECULIAR FACIES AND HYDRONEPHROSIS; DUNDAR SYNDROME; Adducted thumb, clubfoot, progressive joint and skin laxity syndrome; ADDUCTED THUMB-CLUBFOOT SYNDROME. Identifiers: Orphanet 2953, MedGen C1866294, MONDO:0011142.

Allele frequency attached by ClinVar (database versions not stated): ExAC 0.00001; gnomAD exomes 0.00002; TOPMed 0.00003; gnomAD 0.00005 and 0.00006.
gnomAD v4.1: 149 of 1,612,862 alleles (0.0092%); highest among the groups gnomAD compares: Non-Finnish European, 0.012%; no homozygotes.

Submissions (4):

Women's Health and Genetics/Laboratory Corporation of America, LabCorp
Classification: Uncertain significance. Last evaluated: 2026-01-13. Review status: criteria provided, single submitter. Criteria: LabCorp Variant Classification Summary - May 2015. Collection method: clinical testing. Allele origin: germline.
Comment: Variant summary: CHST14 c.1036G>C (p.Ala346Pro) results in a non-conservative amino acid change in the encoded protein sequence. Algorithms developed to predict the effect of missense changes on protein structure and function are either unavailable or do not agree on the potential impact of this missense change. The variant allele was found at a frequency of 2.4e-05 in 250492 control chromosomes. The available data on variant occurrences in the general population are insufficient to allow any conclusion about variant significance. To our knowledge, no occurrence of c.1036G>C in individuals affected with CHST14-related conditions and no experimental evidence demonstrating its impact on protein function have been reported. ClinVar contains an entry for this variant (Variation ID: 451984). Based on the evidence outlined above, the variant was classified as uncertain significance.

Ambry Genetics
Classification: Uncertain significance for Cardiovascular phenotype. Last evaluated: 2024-11-04. Review status: criteria provided, single submitter. Criteria: Ambry Variant Classification Scheme 2023. Collection method: clinical testing. Allele origin: germline.
Comment: The p.A346P variant (also known as c.1036G>C), located in coding exon 1 of the CHST14 gene, results from a G to C substitution at nucleotide position 1036. The alanine at codon 346 is replaced by proline, an amino acid with highly similar properties. This amino acid position is well conserved in available vertebrate species. In addition, this alteration is predicted to be tolerated by in silico analysis. Based on the available evidence, the clinical significance of this variant remains unclear.

Labcorp Genetics (formerly Invitae), Labcorp
Classification: Uncertain significance for Ehlers-Danlos syndrome, musculocontractural type. Last evaluated: 2022-05-11. Review status: criteria provided, single submitter. Criteria: Invitae Variant Classification Sherloc (09022015). Collection method: clinical testing. Allele origin: germline.
Comment: This sequence change replaces alanine, which is neutral and non-polar, with proline, which is neutral and non-polar, at codon 346 of the CHST14 protein (p.Ala346Pro). This variant is present in population databases (rs762133798, gnomAD 0.006%). This variant has not been reported in the literature in individuals affected with CHST14-related conditions. ClinVar contains an entry for this variant (Variation ID: 451984). Algorithms developed to predict the effect of missense changes on protein structure and function are either unavailable or do not agree on the potential impact of this missense change (SIFT: "Tolerated"; PolyPhen-2: "Possibly Damaging"; Align-GVGD: "Class C0"). In summary, the available evidence is currently insufficient to determine the role of this variant in disease. Therefore, it has been classified as a Variant of Uncertain Significance.

GeneDx
Classification: Uncertain significance. Last evaluated: 2021-03-18. Review status: criteria provided, single submitter. Criteria: GeneDx Variant Classification Process June 2021. Collection method: clinical testing. Allele origin: germline. Affected: yes.
Comment: Not observed at a significant frequency in large population cohorts (Lek et al., 2016); In silico analysis supports that this missense variant does not alter protein structure/function; Has not been previously published as pathogenic or benign to our knowledge; Reported in ClinVar as a variant of uncertain significance (ClinVar Variant ID# 451984; Landrum et al., 2016)